The following is an entry in ClinVar:

NM_197968.4(ZMYM2):c.2068_2069del (p.Leu690fs)

Gene: ZMYM2 (zinc finger MYM-type containing 2; plus strand). Cytogenetic location: 13q12.11.
Variant type: Microsatellite.
Coding change: c.2068_2069del on transcript NM_197968.4 (MANE Select); coding-DNA positions 2068 to 2069, 2 bases deleted (CT; older notation c.2068_2069delCT).
Protein change: p.Leu690fs; shifts the reading frame from leucine 690.
Molecular consequence: frameshift variant. On other transcripts: non-coding transcript variant (1).
Genome position (GRCh38, 1-based): chr13:20,034,353-20,034,354, CT deleted; deleting any 2 consecutive bases within chr13:20,034,351-20,034,354 gives the same sequence; the c. name uses the placement nearest the transcript's 3' end. VCF-style (leftmost placement, unchanged base first): chr13-20034350-ACT-A. GRCh37 (hg19) VCF-style: chr13-20608490-ACT-A.
Other names: c.2068_2069del, p.Leu690fs (NM_001190964.4, NM_001190965.4, NM_001353157.2 and 5 more transcripts); c.1873_1874del, p.Leu625fs (NM_001353161.3); c.1807_1808del, p.Leu603fs (NM_001353163.2); short protein forms L603fs, L625fs, L690fs.
Identifiers: ClinVar variation 5001892 (VCV005001892.1).

ClinVar aggregate classification (germline): Uncertain significance (1 of 4 stars; one submission).

Conditions:
ZMYM2-related disorder. Also called: ZMYM2-related condition.

Submission:

PreventionGenetics, part of Exact Sciences
Classification: Uncertain significance for ZMYM2-related condition. Last evaluated: 2024-10-23. Review status: criteria provided, single submitter. Criteria: ACMG Guidelines, 2015. Collection method: clinical testing. Allele origin: germline.
Comment: The ZMYM2 c.2068_2069delCT variant is predicted to result in a frameshift and premature protein termination (p.Leu690Serfs*2). This variant was reported in an individual with neurodevelopmental disorder (Wang et al. 2020. PubMed ID: 33004838). This variant is reported in 0.00089% of alleles in individuals of European (Non-Finnish) descent in gnomAD. Although we suspect that this variant may be pathogenic, at this time, the clinical significance of this variant is uncertain due to the absence of conclusive functional and genetic evidence.